The following is an entry in ClinVar:

ClinVar aggregate classification (germline): Likely benign. Review status: criteria provided, single submitter (1 of 4 stars). 2 submissions from 2 submitters: Likely benign (1). 1 of the submissions does not count toward it. Last evaluated 2025-06-09.

Conditions:
Hypomyelination and Congenital Cataract (HLD5). Also called: hypomyelinating leukodystrophy 5. Identifiers: Orphanet 85163, MedGen C1864663, MONDO:0012514, OMIM 610532.
HYCC1-related disorder. Also called: HYCC1-related condition.

gnomAD v4.1: 15 of 1,613,522 alleles (0.00093%); highest among the groups gnomAD compares: Admixed American, 0.017%; no homozygotes.

Submissions (2):

Labcorp Genetics (formerly Invitae), Labcorp
Classification: Likely benign for Hypomyelination and Congenital Cataract. Last evaluated: 2025-06-09. Review status: criteria provided, single submitter. Criteria: Invitae Variant Classification Sherloc (09022015). Collection method: clinical testing. Allele origin: germline.

PreventionGenetics, part of Exact Sciences
Classification: Likely benign for HYCC1-related condition. Last evaluated: 2022-12-19. Review status: no assertion criteria provided. Collection method: clinical testing. Allele origin: germline. Not counted in ClinVar's aggregate classification.
Comment: This variant is classified as likely benign based on ACMG/AMP sequence variant interpretation guidelines (Richards et al. 2015 PMID: 25741868, with internal and published modifications).

NM_032581.4(HYCC1):c.1086G>C (p.Ser362=)

Gene: HYCC1 (hyccin PI4KA lipid kinase complex subunit 1; minus strand). Cytogenetic location: 7p15.3.
Variant type: single nucleotide variant.
Coding change: c.1086G>C on transcript NM_032581.4 (MANE Select); coding-DNA position 1086, G replaced by C.
Protein change: p.Ser362=; no amino-acid change (serine 362 retained).
Molecular consequence: synonymous variant. On other transcripts: 3 prime UTR variant (2).
Genome position (GRCh38, 1-based): chr7:22,946,069, C>G on the plus strand (G>C on the coding strand, the complement: HYCC1 is on the minus strand). VCF-style: chr7-22946069-C-G. GRCh37 (hg19) VCF-style: chr7-22985688-C-G.
Other names: c.*122G>C (NM_001363466.2); c.*80G>C (NM_001363467.2); c.1086G>C (NM_032581.3).
Identifiers: ClinVar variation 1545671 (VCV001545671.10), dbSNP rs771923181, ClinGen allele CA155210821.